The following is an entry in ClinVar:

GRCh37/hg19 5p15.33-15.2(chr5:113576-11767720)x1

Genes: ADAMTS16 (ADAM metallopeptidase with thrombospondin type 1 motif 16; plus strand), ADCY2 (adenylate cyclase 2; plus strand), AHRR (aryl hydrocarbon receptor repressor; plus strand), ANKRD33B (ankyrin repeat domain 33B; plus strand), ATPSCKMT (ATP synthase c subunit lysine N-methyltransferase; minus strand) and 45 more. Cytogenetic location: 5p15.33-15.2.
Variant type: copy number loss.
Change: copy number 1 (one copy instead of two) of chr5:113,576-11,767,720 (11.65 Mb, GRCh37 coordinates, 1-based), cytogenetic band 5p15.33-15.2.
Identifiers: ClinVar variation 814654 (VCV000814654.2).

ClinVar aggregate classification (germline): Pathogenic (1 of 4 stars; one submission).

Submission:

Quest Diagnostics Nichols Institute San Juan Capistrano
Classification: Pathogenic. Last evaluated: 2022-12-18. Review status: criteria provided, single submitter. Criteria: ACMG/ClinGen CNV Guidelines, 2019. Collection method: clinical testing. Allele origin: unknown.
Comment: The terminal deletion of 5p is consistent with the clinical diagnosis of Cri-du-chat syndrome (OMIM 123450). The severity of the phenotype varies, and there is some correlation between clinical features and the size of the deletion.